The following is an entry in ClinVar:

NM_000124.4(ERCC6):c.2650_2665dup (p.Thr889fs)

Gene: ERCC6 (ERCC excision repair 6, chromatin remodeling factor; minus strand). Cytogenetic location: 10q11.23.
Variant type: Duplication.
Coding change: c.2650_2665dup on transcript NM_000124.4 (MANE Select); coding-DNA positions 2650 to 2665, 16 bases duplicated (AAGATGGATGGTACCA).
Protein change: p.Thr889fs; shifts the reading frame from threonine 889.
Molecular consequence: frameshift variant.
Genome position (GRCh38, 1-based): chr10:49,473,521-49,473,536, TGGTACCATCCATCTT duplicated on the plus strand (AAGATGGATGGTACCA on the coding strand, the reverse complement: ERCC6 is on the minus strand). VCF-style (leftmost placement, unchanged base first): chr10-49473520-G-GTGGTACCATCCATCTT. GRCh37 (hg19) VCF-style: chr10-50681566-G-GTGGTACCATCCATCTT.
Other names: c.2650_2665dup, p.Thr889fs (NM_001346440.2); short protein forms T889fs.
Identifiers: ClinVar variation 968576 (VCV000968576.8), dbSNP rs779850702, ClinGen allele CA5495589.

ClinVar aggregate classification (germline): Pathogenic. Review status: criteria provided, multiple submitters, no conflicts (2 of 4 stars). 2 submissions from 2 submitters: Pathogenic (2). Last evaluated 2024-10-06.

Conditions:
Cockayne spectrum with or without cerebrooculofacioskeletal syndrome. Identifiers: MedGen CN315928, MONDO:0100506.

Allele frequency attached by ClinVar (database versions not stated): gnomAD exomes below 0.00001; ExAC 0.00001.

Submissions (2):

Myriad Genetics, Inc.
Classification: Pathogenic for Cockayne spectrum with or without cerebrooculofacioskeletal syndrome. Last evaluated: 2024-10-06. Review status: criteria provided, single submitter. Criteria: Myriad Autosomal Dominant, Autosomal Recessive and X-Linked Classification Criteria (2023). Collection method: clinical testing. Allele origin: unknown.
Comment: NM_000124.2(ERCC6):c.2650_2665dup16(T889Kfs*20) is expected to be pathogenic in the context of ERCC6-related disorders. This variant is predicted to lead to an abnormal or absent protein product due to the creation of a premature termination codon in ERCC6, a gene where loss-of-function variants are known to be pathogenic. Please note: this variant was assessed in the context of healthy population screening.

Labcorp Genetics (formerly Invitae), Labcorp
Classification: Pathogenic. Last evaluated: 2019-10-11. Review status: criteria provided, single submitter. Criteria: Invitae Variant Classification Sherloc (09022015). Collection method: clinical testing. Allele origin: germline.
Comment: For these reasons, this variant has been classified as Pathogenic. Loss-of-function variants in ERCC6 are known to be pathogenic (PMID: 9443879, 18628313). Algorithms developed to predict the effect of sequence changes on RNA splicing suggest that this variant may create or strengthen a splice site, but this prediction has not been confirmed by published transcriptional studies. This variant has not been reported in the literature in individuals with ERCC6-related conditions. The frequency data for this variant in the population databases is considered unreliable, as metrics indicate poor data quality at this position in the ExAC database. This sequence change creates a premature translational stop signal (p.Thr889Lysfs*20) in the ERCC6 gene. It is expected to result in an absent or disrupted protein product.

Literature cited by the submitters: PubMed 9443879 (cited by Labcorp Genetics (formerly Invitae), Labcorp); PubMed 18628313 (cited by Labcorp Genetics (formerly Invitae), Labcorp).